The following is an entry in ClinVar:

ClinVar aggregate classification (germline): Pathogenic (1 of 4 stars; one submission).

Conditions:
Severe myoclonic epilepsy in infancy (DRVT). Also called: Epileptic encephalopathy, early infantile, 6 (Dravet syndrome); SEVERE MYOCLONIC EPILEPSY OF INFANCY; DEVELOPMENTAL AND EPILEPTIC ENCEPHALOPATHY 6A; Severe Myoclonic Epilepsy in Infancy (SMEI); Dravet syndrome. Identifiers: Orphanet 33069, MedGen C0751122, MONDO:0100135, OMIM 607208.

Submission:

Center for Bioinformatics, Peking University
Classification: Pathogenic for Dravet syndrome. Last evaluated: 2014-12-20. Review status: criteria provided, single submitter. Criteria: Xu et al. (Hum Mutat. 2015). Collection method: research. Allele origin: de novo. Affected: yes. Observed: 1 variant allele. Study: University Clinical Cooperation “985 Project” PKU-2014-1-1.
Comment: Dravet syndrome (DS) probands were recruited from the outpatient and inpatient child neurology units of Peking University First Hospital from 2005 till present. The study was approved by the Ethics Committee of Peking University First Hospital and the Institutional Review Board at Peking University. Participants or their parents provided written informed consent before enrollment. We collected a total of 267 mutations from 255 families with probands diagnosed with DS in China. All probands fulfilled the clinical diagnostic criteria.

NM_001165963.4(SCN1A):c.5108A>T (p.Asp1703Val)

Genes: SCN1A (sodium voltage-gated channel alpha subunit 1; minus strand), LOC102724058 (uncharacterized LOC102724058; plus strand). Cytogenetic location: 2q24.3.
Variant type: single nucleotide variant.
Coding change: c.5108A>T on transcript NM_001165963.4 (MANE Select); coding-DNA position 5108, A replaced by T.
Protein change: p.Asp1703Val; replaces aspartic acid 1703 with valine.
Molecular consequence: missense variant. On other transcripts: non-coding transcript variant (1).
Genome position (GRCh38, 1-based): chr2:165,992,167, T>A on the plus strand (A>T on the coding strand, the complement: SCN1A is on the minus strand). VCF-style: chr2-165992167-T-A. GRCh37 (hg19) VCF-style: chr2-166848677-T-A.
Other names: c.5024A>T, p.Asp1675Val (NM_001165964.3, NM_001353957.2, NM_001353958.2); c.5108A>T, p.Asp1703Val (NM_001202435.3, NM_001353948.2); c.5075A>T, p.Asp1692Val (NM_001353949.2, NM_001353950.2, NM_001353951.2 and 2 more transcripts); c.5072A>T, p.Asp1691Val (NM_001353954.2, NM_001353955.2); c.5021A>T, p.Asp1674Val (NM_001353960.2); c.2666A>T, p.Asp889Val (NM_001353961.2); short protein forms D1692V, D1703V, D1675V, D1691V, D889V, D1674V.
Identifiers: ClinVar variation 189966 (VCV000189966.1), dbSNP rs794726802, ClinGen allele CA303433.